The following is an entry in ClinVar:

ClinVar aggregate classification (germline): Uncertain significance (1 of 4 stars; one submission).

Submission:

GeneDx
Classification: Uncertain significance. Last evaluated: 2020-02-10. Review status: criteria provided, single submitter. Criteria: GeneDx Variant Classification Process June 2021. Collection method: clinical testing. Allele origin: germline. Affected: yes.
Comment: Not observed in large population cohorts (Lek et al., 2016); In silico analysis supports that this missense variant has a deleterious effect on protein structure/function; Has not been previously published as pathogenic or benign to our knowledge

NM_001114134.2(EPB42):c.106G>A (p.Gly36Arg)

Gene: EPB42 (erythrocyte membrane protein band 4.2; minus strand). Cytogenetic location: 15q15.2.
Variant type: single nucleotide variant.
Coding change: c.106G>A on transcript NM_001114134.2 (MANE Select); coding-DNA position 106, G replaced by A.
Protein change: p.Gly36Arg; replaces glycine 36 with arginine.
Molecular consequence: missense variant.
Genome position (GRCh38, 1-based): chr15:43,216,358, C>T on the plus strand (G>A on the coding strand, the complement: EPB42 is on the minus strand). VCF-style: chr15-43216358-C-T. GRCh37 (hg19) VCF-style: chr15-43508556-C-T.
Other names: c.196G>A, p.Gly66Arg (NM_000119.3); short protein forms G36R, G66R.
Identifiers: ClinVar variation 1318834 (VCV001318834.2), dbSNP rs1387623483, ClinGen allele CA392124079.